The following is an entry in ClinVar:

ClinVar aggregate classification (germline): Pathogenic (1 of 4 stars; one submission).

Conditions:
Bainbridge-Ropers syndrome. Also called: Severe feeding difficulties-failure to thrive-microcephaly due to ASXL3 deficiency syndrome. Identifiers: Orphanet 352577, MedGen C4750837, MONDO:0014205, OMIM 615485.

Submission:

GeneDx
Classification: Pathogenic. Last evaluated: 2018-11-19. Review status: criteria provided, single submitter. Criteria: GeneDx Variant Classification (06012015). Collection method: clinical testing. Allele origin: germline. Affected: yes.
Comment: The L512X variant in the ASXL3 gene has not been reported previously as a pathogenic variant nor as a benign variant, to our knowledge. This variant is predicted to cause loss of normal protein function either through protein truncation or nonsense-mediated mRNA decay. The L512X variant is not observed in large population cohorts (Lek et al., 2016). We interpret L512X as a pathogenic variant.

NM_030632.3(ASXL3):c.1535T>A (p.Leu512Ter)

Gene: ASXL3 (ASXL transcriptional regulator 3; plus strand). Cytogenetic location: 18q12.1.
Variant type: single nucleotide variant.
Coding change: c.1535T>A on transcript NM_030632.3 (MANE Select); coding-DNA position 1535, T replaced by A.
Protein change: p.Leu512Ter; replaces leucine 512 with a stop codon.
Molecular consequence: nonsense.
Genome position (GRCh38, 1-based): chr18:33,738,939, T>A. VCF-style: chr18-33738939-T-A. GRCh37 (hg19) VCF-style: chr18-31318903-T-A.
Other names: short protein forms L512*.
Identifiers: ClinVar variation 620449 (VCV000620449.3), dbSNP rs1568359816, ClinGen allele CA402175788.